The following is an entry in ClinVar:

Conditions:
Arteriohepatic dysplasia. Also called: Alagille Syndrome. Identifiers: Orphanet 52, MedGen C0085280, MeSH D016738, MONDO:0007318.

Submission:

Gilbert/Spinner Lab, Children's Hospital of Philadelphia
No classification provided (evidence only). Condition: Alagille syndrome. Review status: no classification provided. Collection method: research. Allele origin: not applicable. Functional consequence: functionally_abnormal.
ClinVar note: "not provided" was previously submitted as the classification for the variant. However, the classification appeared to be based only on an observation of functional data so it was converted to no classification on 2025-07-30.

NM_000214.3(JAG1):c.836C>T (p.Pro279Leu)

Gene: JAG1 (jagged canonical Notch ligand 1; minus strand). Cytogenetic location: 20p12.2.
Variant type: single nucleotide variant.
Coding change: c.836C>T on transcript NM_000214.3 (MANE Select); coding-DNA position 836, C replaced by T.
Protein change: p.Pro279Leu; replaces proline 279 with leucine.
Molecular consequence: missense variant.
Genome position (GRCh38, 1-based): chr20:10,652,518, G>A on the plus strand (C>T on the coding strand, the complement: JAG1 is on the minus strand). VCF-style: chr20-10652518-G-A. GRCh37 (hg19) VCF-style: chr20-10633166-G-A.
Other names: short protein forms P279L.
Identifiers: ClinVar variation 3573381 (VCV003573381.2).